The following is an entry in ClinVar:

NM_213599.3(ANO5):c.259G>A (p.Val87Ile)

Gene: ANO5 (anoctamin 5; plus strand). Cytogenetic location: 11p14.3.
Variant type: single nucleotide variant.
Coding change: c.259G>A on transcript NM_213599.3 (MANE Select); coding-DNA position 259, G replaced by A.
Protein change: p.Val87Ile; replaces valine 87 with isoleucine.
Molecular consequence: missense variant.
Genome position (GRCh38, 1-based): chr11:22,221,175, G>A. VCF-style: chr11-22221175-G-A. GRCh37 (hg19) VCF-style: chr11-22242721-G-A.
Other names: p.Val87Ile; c.256G>A, p.Val86Ile (NM_001142649.2); short protein forms V87I, V86I.
Identifiers: ClinVar variation 282497 (VCV000282497.67), dbSNP rs34994927, ClinGen allele CA5922846.

ClinVar aggregate classification (germline): Conflicting classifications of pathogenicity. Review status: criteria provided, conflicting classifications (1 of 4 stars). 9 submissions from 9 submitters: Uncertain significance (1); Benign (1); Likely benign (7). Last evaluated 2026-01-28.

Conditions:
Autosomal recessive limb-girdle muscular dystrophy type 2L (LGMDR12). Also called: Limb-girdle muscular dystrophy, type 2L; Limb-Girdle Muscular Dystrophy R12 Anoctamin-5-Related (LGMD-R12); MUSCULAR DYSTROPHY, LIMB-GIRDLE, AUTOSOMAL RECESSIVE 12. Identifiers: Orphanet 206549, MedGen C1969785, MONDO:0012652, OMIM 611307.
Gnathodiaphyseal dysplasia (GDD). Also called: GNATHODIAPHYSEAL SCLEROSIS; OSTEOGENESIS IMPERFECTA WITH UNUSUAL SKELETAL LESIONS. Identifiers: Orphanet 53697, MedGen C1833736, MONDO:0008151, OMIM 166260.
ANO5-Related Muscle Diseases. Identifiers: MedGen CN180644.

Allele frequency attached by ClinVar (database versions not stated): gnomAD exomes 0.00045 and 0.00087; ExAC 0.00102; 1000 Genomes Project 30x 0.00219; 1000 Genomes Project 0.00240; gnomAD 0.00293; ESP Exome Variant Server 0.00300; TOPMed 0.00370.
gnomAD v4.1: 1,113 of 1,611,662 alleles (0.069%); highest among the groups gnomAD compares: African/African-American, 1.1%; 6 homozygotes.

Submissions (9):

Labcorp Genetics (formerly Invitae), Labcorp
Classification: Likely benign for Autosomal recessive limb-girdle muscular dystrophy type 2L; Gnathodiaphyseal dysplasia. Last evaluated: 2026-01-28. Review status: criteria provided, single submitter. Criteria: Invitae Variant Classification Sherloc (09022015). Collection method: clinical testing. Allele origin: germline.

Blueprint Genetics
Classification: Likely benign. Last evaluated: 2024-09-18. Review status: criteria provided, single submitter. Criteria: ACMG Guidelines, 2015. Collection method: clinical testing. Allele origin: germline.

Mayo Clinic Laboratories, Mayo Clinic
Classification: Likely benign. Last evaluated: 2024-05-21. Review status: criteria provided, single submitter. Criteria: ACMG Guidelines, 2015. Collection method: clinical testing. Allele origin: germline. Observed: 8 variant alleles.
Comment: BS1, BP2, BP4

Athena Diagnostics
Classification: Likely benign. Last evaluated: 2020-06-24. Review status: criteria provided, single submitter. Criteria: Athena Diagnostics Criteria. Collection method: clinical testing. Allele origin: unknown.

GeneDx
Classification: Benign. Last evaluated: 2019-08-02. Review status: criteria provided, single submitter. Criteria: GeneDx Variant Classification Process June 2021. Collection method: clinical testing. Allele origin: germline. Affected: yes.
Comment: This variant is associated with the following publications: (PMID: 25891276)

Mendelics
Classification: Likely benign for Gnathodiaphyseal dysplasia. Last evaluated: 2019-05-28. Review status: criteria provided, single submitter. Criteria: Mendelics Assertion Criteria 2017. Collection method: clinical testing. Allele origin: unknown.

Illumina Laboratory Services, Illumina
Classification: Likely benign for ANO5-Related Muscle Diseases. Last evaluated: 2017-09-06. Review status: criteria provided, single submitter. Criteria: ICSL Variant Classification Criteria 13 December 2019. Collection method: clinical testing. Allele origin: germline.
Comment: This variant was observed as part of a predisposition screen in an ostensibly healthy population. A literature search was performed for the gene, cDNA change, and amino acid change (where applicable). Publications were found based on this search. The evidence from the literature, in combination with allele frequency data from public databases where available, was sufficient to determine this variant is unlikely to cause disease. Therefore, this variant is classified as likely benign.

CeGaT Center for Human Genetics Tuebingen
Classification: Uncertain significance. Last evaluated: 2016-05-01. Review status: criteria provided, single submitter. Criteria: CeGaT Center For Human Genetics Tuebingen Variant Classification Criteria Version 2. Collection method: clinical testing. Allele origin: germline. Affected: yes. Observed: 1 variant allele.

Eurofins Ntd Llc (ga)
Classification: Likely benign. Last evaluated: 2015-09-09. Review status: criteria provided, single submitter. Criteria: EGL Classification Definitions 2015. Collection method: clinical testing. Allele origin: germline. Observed: 1 variant allele, 1 heterozygote.

Literature cited by the submitters: PubMed 25891276 (cited by 3 submitters).